The following is an entry in ClinVar:

ClinVar aggregate classification (germline): Conflicting classifications of pathogenicity. Review status: criteria provided, conflicting classifications (1 of 4 stars). 2 submissions from 2 submitters: Uncertain significance (1); Likely benign (1). Last evaluated 2025-06-23.

gnomAD v4.1: 31 of 1,537,220 alleles (0.002%); highest among the groups gnomAD compares: Middle Eastern, 0.017%; no homozygotes.

Submissions (2):

Ambry Genetics
Classification: Uncertain significance. Last evaluated: 2025-06-23. Review status: criteria provided, single submitter. Criteria: Ambry Variant Classification Scheme 2023. Collection method: clinical testing. Allele origin: germline.

CeGaT Center for Human Genetics Tuebingen
Classification: Likely benign. Last evaluated: 2024-05-01. Review status: criteria provided, single submitter. Criteria: CeGaT Center For Human Genetics Tuebingen Variant Classification Criteria Version 2. Collection method: clinical testing. Allele origin: germline. Affected: yes. Observed: 2 variant alleles.
Comment: STARD9: BP4

NM_020759.3(STARD9):c.7444G>T (p.Val2482Phe)

Gene: STARD9 (StAR related lipid transfer domain containing 9; plus strand). Cytogenetic location: 15q15.2.
Variant type: single nucleotide variant.
Coding change: c.7444G>T on transcript NM_020759.3 (MANE Select); coding-DNA position 7444, G replaced by T.
Protein change: p.Val2482Phe; replaces valine 2482 with phenylalanine.
Molecular consequence: missense variant.
Genome position (GRCh38, 1-based): chr15:42,689,022, G>T. VCF-style: chr15-42689022-G-T. GRCh37 (hg19) VCF-style: chr15-42981220-G-T.
Other names: short protein forms V2482F.
Identifiers: ClinVar variation 2508654 (VCV002508654.27), dbSNP rs776581998, ClinGen allele CA269900998.